The following is an entry in ClinVar:

NC_000018.9:g.(?_55247285)_(55254103_?)del

Gene: FECH (ferrochelatase; minus strand). Cytogenetic location: 18q21.31.
Variant type: Deletion.
Identifiers: ClinVar variation 3242784 (VCV003242784.1).

ClinVar aggregate classification (germline): Pathogenic (1 of 4 stars; one submission).

Submission:

Labcorp Genetics (formerly Invitae), Labcorp
Classification: Pathogenic. Last evaluated: 2023-11-21. Review status: criteria provided, single submitter. Criteria: Invitae Variant Classification Sherloc (09022015). Collection method: clinical testing. Allele origin: unknown.
Comment: This variant is a gross deletion of the genomic region encompassing exon(s) 1-2 of the FECH gene, which includes the initiator codon. This deletion extends beyond the assayed region for this gene and therefore may encompass additional genes. It is expected to result in an absent or disrupted protein product. Loss-of-function variants in FECH are known to be pathogenic (PMID: 20105171, 23016163, 23364466). This variant has not been reported in the literature in individuals affected with FECH-related conditions. For these reasons, this variant has been classified as Pathogenic.

Literature cited by the submitters: PubMed 20105171; PubMed 23016163; PubMed 23364466.